The following is an entry in ClinVar:

ClinVar aggregate classification (germline): Uncertain significance (1 of 4 stars; one submission).

gnomAD v4.1: 3 of 1,595,984 alleles (0.00019%); highest among the groups gnomAD compares: South Asian, 0.0023%; no homozygotes.

Submission:

GeneDx
Classification: Uncertain significance. Last evaluated: 2025-02-05. Review status: criteria provided, single submitter. Criteria: GeneDx Variant Classification Process June 2021. Collection method: clinical testing. Allele origin: germline. Affected: yes.
Comment: Not observed at significant frequency in large population cohorts (gnomAD); In silico analysis indicates that this missense variant does not alter protein structure/function; Has not been previously published as pathogenic or benign to our knowledge

NM_018896.5(CACNA1G):c.6952A>G (p.Ser2318Gly)

Gene: CACNA1G (calcium voltage-gated channel subunit alpha1 G; plus strand). Cytogenetic location: 17q21.33.
Variant type: single nucleotide variant.
Coding change: c.6952A>G on transcript NM_018896.5 (MANE Select); coding-DNA position 6952, A replaced by G.
Protein change: p.Ser2318Gly; replaces serine 2318 with glycine.
Molecular consequence: missense variant. On other transcripts: non-coding transcript variant (5).
Genome position (GRCh38, 1-based): chr17:50,626,569, A>G. VCF-style: chr17-50626569-A-G. GRCh37 (hg19) VCF-style: chr17-48703930-A-G.
Other names: c.6763A>G, p.Ser2255Gly (NM_001256324.2); c.6694A>G, p.Ser2232Gly (NM_001256325.2); c.6682A>G, p.Ser2228Gly (NM_001256326.2); c.6652A>G, p.Ser2218Gly (NM_001256327.2); c.6598A>G, p.Ser2200Gly (NM_001256328.2); c.6571A>G, p.Ser2191Gly (NM_001256329.2, NM_198387.3); c.6538A>G, p.Ser2180Gly (NM_001256330.2); c.6517A>G, p.Ser2173Gly (NM_001256331.2); and 18 more; short protein forms S2112G, S2135G, S2146G, S2168G, S2173G, S2180G, S2184G, S2187G.
Identifiers: ClinVar variation 4074591 (VCV004074591.1).
Genomic context (GRCh38, chr17:50,626,569, plus strand): 5'-CCTGGGAGCCGGCCCAAGAAAAAACTCAGCCCGCCTAGTATCACCATAGACCCCCCCGAG[A>G]GCCAAGGTCCTCGGACCCCGCCCAGCCCTGGTATCTGCCTCCGGAGGAGGGCTCCGTCCA-3'
Protein context (NP_061496.2, residues 2308-2328): PPSITIDPPE[Ser2318Gly]QGPRTPPSPG